The following is an entry in ClinVar:

NM_000057.4(BLM):c.2605A>G (p.Lys869Glu)

Gene: BLM (BLM RecQ like helicase; plus strand). Cytogenetic location: 15q26.1.
Variant type: single nucleotide variant.
Coding change: c.2605A>G on transcript NM_000057.4 (MANE Select); coding-DNA position 2605, A replaced by G.
Protein change: p.Lys869Glu; replaces lysine 869 with glutamic acid.
Molecular consequence: missense variant.
Genome position (GRCh38, 1-based): chr15:90,782,871, A>G. VCF-style: chr15-90782871-A-G. GRCh37 (hg19) VCF-style: chr15-91326101-A-G.
Other names: c.2605A>G, p.Lys869Glu (NM_001287246.2, NM_001287247.2); c.1480A>G, p.Lys494Glu (NM_001287248.2); short protein forms K494E, K869E.
Identifiers: ClinVar variation 2561134 (VCV002561134.5), dbSNP rs1555422363, ClinGen allele CA393845695.

ClinVar aggregate classification (germline): Uncertain significance. Review status: criteria provided, multiple submitters, no conflicts (2 of 4 stars). 2 submissions from 2 submitters: Uncertain significance (2). Last evaluated 2023-04-01.

Conditions:
Hereditary cancer-predisposing syndrome. Also called: Neoplastic Syndromes, Hereditary; Hereditary Cancer Syndrome; Hereditary neoplastic syndrome; Tumor predisposition. Identifiers: Orphanet 140162, MedGen C0027672, MeSH D009386, MONDO:0015356.
Bloom syndrome (BLM). Also called: Bloom-Torre-Machacek syndrome. Identifiers: Orphanet 125, MedGen C0005859, MONDO:0008876, OMIM 210900.

Allele frequency attached by ClinVar (database versions not stated): TOPMed 0.00001.

Submissions (2):

Ambry Genetics
Classification: Uncertain significance for Hereditary cancer-predisposing syndrome. Last evaluated: 2023-04-01. Review status: criteria provided, single submitter. Criteria: Ambry Variant Classification Scheme 2023. Collection method: clinical testing. Allele origin: germline.
Comment: The p.K869E variant (also known as c.2605A>G), located in coding exon 12 of the BLM gene, results from an A to G substitution at nucleotide position 2605. The lysine at codon 869 is replaced by glutamic acid, an amino acid with similar properties. This amino acid position is conserved. In addition, the in silico prediction for this alteration is inconclusive. Since supporting evidence is limited at this time, the clinical significance of this alteration remains unclear.

Labcorp Genetics (formerly Invitae), Labcorp
Classification: Uncertain significance for Bloom syndrome. Last evaluated: 2023-01-22. Review status: criteria provided, single submitter. Criteria: Invitae Variant Classification Sherloc (09022015). Collection method: clinical testing. Allele origin: germline.
Comment: In summary, the available evidence is currently insufficient to determine the role of this variant in disease. Therefore, it has been classified as a Variant of Uncertain Significance. Algorithms developed to predict the effect of sequence changes on RNA splicing suggest that this variant may create or strengthen a splice site. Advanced modeling of protein sequence and biophysical properties (such as structural, functional, and spatial information, amino acid conservation, physicochemical variation, residue mobility, and thermodynamic stability) performed at Invitae indicates that this missense variant is expected to disrupt BLM protein function. This variant has not been reported in the literature in individuals affected with BLM-related conditions. This variant is not present in population databases (gnomAD no frequency). This sequence change replaces lysine, which is basic and polar, with glutamic acid, which is acidic and polar, at codon 869 of the BLM protein (p.Lys869Glu).